The following is an entry in ClinVar:

NM_153717.3(EVC):c.1290G>A (p.Trp430Ter)

Gene: EVC (EvC ciliary complex subunit 1; plus strand). Cytogenetic location: 4p16.2.
Variant type: single nucleotide variant.
Coding change: c.1290G>A on transcript NM_153717.3 (MANE Select); coding-DNA position 1290, G replaced by A.
Protein change: p.Trp430Ter; replaces tryptophan 430 with a stop codon.
Molecular consequence: nonsense.
Genome position (GRCh38, 1-based): chr4:5,753,027, G>A. VCF-style: chr4-5753027-G-A. GRCh37 (hg19) VCF-style: chr4-5754754-G-A.
Other names: c.1290G>A, p.Trp430Ter (NM_001306090.2, NM_001306092.2); short protein forms W430*.
Identifiers: ClinVar variation 1726497 (VCV001726497.2), dbSNP rs2475386875, ClinGen allele CA356154417.

ClinVar aggregate classification (germline): Likely pathogenic (1 of 4 stars; one submission).

Conditions:
Ellis-van Creveld syndrome (EVC). Also called: EVC-Related Ellis-van Creveld Syndrome; EVC2-Related Ellis-van Creveld Syndrome; MESOECTODERMAL DYSPLASIA; Chondroectodermal dysplasia. Identifiers: Orphanet 289, MedGen C0013903, MONDO:0009162, OMIM 225500.

Submission:

Myriad Genetics, Inc.
Classification: Likely pathogenic for Ellis-van Creveld syndrome. Last evaluated: 2021-12-17. Review status: criteria provided, single submitter. Criteria: Myriad Women's Health Autosomal Recessive and X-Linked Classification Criteria (2021). Collection method: clinical testing. Allele origin: unknown.
Comment: NM_153717.2(EVC):c.1290G>A(W430*) is expected to be pathogenic in the context of EVC-related Ellis-van Creveld syndrome. This variant is predicted to lead to an abnormal or absent protein product due to the creation of a premature termination codon in EVC, a gene where loss-of-function variants are known to be pathogenic. Please note: this variant was assessed in the context of healthy population screening.